The following is an entry in ClinVar:

ClinVar aggregate classification (germline): Pathogenic/Likely pathogenic. Review status: criteria provided, multiple submitters, no conflicts (2 of 4 stars). 3 submissions from 3 submitters: Pathogenic (1); Likely pathogenic (2). Last evaluated 2025-10-03.

Conditions:
Wilson disease (WND). Also called: Wilson's disease. Identifiers: Orphanet 905, MedGen C0019202, MONDO:0010200, OMIM 277900. Disease mechanism: loss of function.

Allele frequency attached by ClinVar (database versions not stated): gnomAD exomes below 0.00001.
gnomAD v4.1: 1 of 1,614,076 alleles (0.000062%); highest among the groups gnomAD compares: Admixed American, 0.0017%; no homozygotes.

Submissions (3):

Natera, Inc.
Classification: Likely pathogenic for Wilson disease. Last evaluated: 2025-10-03. Review status: criteria provided, single submitter. Criteria: Natera Variant Classification Schema (03/2026). Collection method: clinical testing. Allele origin: germline.
Comment: The c.4195C>T variant in ATP7B is a nonsense variant predicted to introduce a stop codon at amino acid 1399. This variant is expected to result in nonsense mediated decay, truncation, or a dysfunctional protein product. This variant is rare in the general population with a frequency below the threshold expected for the associated phenotype(s). Given the available evidence, this variant is classified as Likely Pathogenic.

Baylor Genetics
Classification: Likely pathogenic for Wilson disease. Last evaluated: 2023-03-07. Review status: criteria provided, single submitter. Criteria: ACMG Guidelines, 2015. Collection method: clinical testing. Allele origin: unknown.

Labcorp Genetics (formerly Invitae), Labcorp
Classification: Pathogenic for Wilson disease. Last evaluated: 2022-10-27. Review status: criteria provided, single submitter. Criteria: Invitae Variant Classification Sherloc (09022015). Collection method: clinical testing. Allele origin: germline.
Comment: For these reasons, this variant has been classified as Pathogenic. This variant disrupts a region of the ATP7B protein in which other variant(s) (p.Arg1459Glyfs*2) have been determined to be pathogenic (PMID: 26799313). This suggests that this is a clinically significant region of the protein, and that variants that disrupt it are likely to be disease-causing. ClinVar contains an entry for this variant (Variation ID: 1456240). This variant has not been reported in the literature in individuals affected with ATP7B-related conditions. This variant is not present in population databases (gnomAD no frequency). This sequence change creates a premature translational stop signal (p.Gln1399*) in the ATP7B gene. While this is not anticipated to result in nonsense mediated decay, it is expected to disrupt the last 67 amino acid(s) of the ATP7B protein.

Literature cited by the submitters: PubMed 26799313 (cited by Labcorp Genetics (formerly Invitae), Labcorp).

NM_000053.4(ATP7B):c.4195C>T (p.Gln1399Ter)

Gene: ATP7B (ATPase copper transporting beta; minus strand). Cytogenetic location: 13q14.3.
Variant type: single nucleotide variant.
Coding change: c.4195C>T on transcript NM_000053.4 (MANE Select); coding-DNA position 4195, C replaced by T.
Protein change: p.Gln1399Ter; replaces glutamine 1399 with a stop codon.
Molecular consequence: nonsense.
Genome position (GRCh38, 1-based): chr13:51,934,959, G>A on the plus strand (C>T on the coding strand, the complement: ATP7B is on the minus strand). VCF-style: chr13-51934959-G-A. GRCh37 (hg19) VCF-style: chr13-52509095-G-A.
Other names: c.3574C>T, p.Gln1192Ter (NM_001005918.3); c.3862C>T, p.Gln1288Ter (NM_001243182.2); c.3961C>T, p.Gln1321Ter (NM_001330578.2); c.3943C>T, p.Gln1315Ter (NM_001330579.2); c.4195C>T (NM_000053.3); short protein forms Q1288*, Q1321*, Q1315*, Q1192*, Q1399*.
Identifiers: ClinVar variation 1456240 (VCV001456240.8), dbSNP rs2138407151, ClinGen allele CA388019625.